The following is an entry in ClinVar:

ClinVar aggregate classification (germline): Conflicting classifications of pathogenicity. Review status: criteria provided, conflicting classifications (1 of 4 stars). 4 submissions from 4 submitters: Likely pathogenic (3); Uncertain significance (1). Last evaluated 2024-05-21.

Conditions:
Retinitis pigmentosa 51 (RP51). Identifiers: Orphanet 791, MedGen C3150715, MONDO:0013274, OMIM 613464.
Bardet-Biedl syndrome 8 (BBS8). Identifiers: Orphanet 110, MedGen C1859566, MONDO:0014436, OMIM 615985.
Bardet-Biedl syndrome (BBS). Identifiers: Orphanet 110, MedGen C0752166, MONDO:0015229.

Submissions (4):

Fulgent Genetics
Classification: Likely pathogenic for Retinitis pigmentosa 51; Bardet-Biedl syndrome 8. Last evaluated: 2024-05-21. Review status: criteria provided, single submitter. Criteria: ACMG Guidelines, 2015. Collection method: clinical testing. Allele origin: germline.

Baylor Genetics
Classification: Likely pathogenic for Retinitis pigmentosa 51. Last evaluated: 2024-03-21. Review status: criteria provided, single submitter. Criteria: ACMG Guidelines, 2015. Collection method: clinical testing. Allele origin: unknown.

SN ONGC Dept of Genetics and Molecular biology Vision Research Foundation
Classification: Uncertain significance for Bardet-Biedl syndrome. Last evaluated: 2023-06-02. Review status: criteria provided, single submitter. Criteria: ACMG Guidelines, 2015. Collection method: research. Allele origin: unknown. Affected: yes. Observed: 1 heterozygote.
Comment: This variant was observed in digenic inheritance with the variant NC_000001.10:g.5950942C>T.

Revvity Omics, Revvity
Classification: Likely pathogenic. Last evaluated: 2022-10-06. Review status: criteria provided, single submitter. Criteria: ACMG Guidelines, 2015. Collection method: clinical testing. Allele origin: germline.

NM_144596.4(TTC8):c.747del (p.Lys249fs)

Gene: TTC8 (tetratricopeptide repeat domain 8; plus strand). Cytogenetic location: 14q31.3.
Variant type: Deletion.
Coding change: c.747del on transcript NM_144596.4 (MANE Select); coding-DNA position 747, one base deleted (A; older notation c.747delA).
Protein change: p.Lys249fs; shifts the reading frame from lysine 249.
Molecular consequence: frameshift variant. On other transcripts: non-coding transcript variant (1).
Genome position (GRCh38, 1-based): chr14:88,857,226, A deleted; the last of 3 consecutive A bases (chr14:88,857,224-88,857,226); deleting any one gives the same sequence. VCF-style (leftmost placement, unchanged base first): chr14-88857223-TA-T. GRCh37 (hg19) VCF-style: chr14-89323567-TA-T.
Other names: c.747del (NM_144596.3); c.795del, p.Lys265fs (NM_001288781.1); c.153del, p.Lys51fs (NM_001288782.1); c.30del, p.Lys10fs (NM_001288783.1); c.717del, p.Lys239fs (NM_001366535.2, NM_198309.3); c.627del, p.Lys209fs (NM_001366536.2, NM_198310.3); short protein forms K10fs, K209fs, K239fs, K249fs, K265fs, K51fs.
Identifiers: ClinVar variation 2434312 (VCV002434312.8), dbSNP rs749785657, ClinGen allele CA7302587.